The following is an entry in ClinVar:

NM_001042492.3(NF1):c.6427+1G>T

Gene: NF1 (neurofibromin 1; plus strand). Cytogenetic location: 17q11.2.
Variant type: single nucleotide variant.
Coding change: c.6427+1G>T on transcript NM_001042492.3 (MANE Select); the canonical splice donor site of the intron after coding-DNA position 6427, G replaced by T.
Molecular consequence: splice donor variant.
Genome position (GRCh38, 1-based): chr17:31,336,915, G>T. VCF-style: chr17-31336915-G-T. GRCh37 (hg19) VCF-style: chr17-29663933-G-T.
Other names: c.6364+1G>T (NM_000267.4).
Identifiers: ClinVar variation 2580781 (VCV002580781.4), dbSNP rs2151555200, ClinGen allele CA399012976.

ClinVar aggregate classification (germline): Pathogenic/Likely pathogenic. Review status: criteria provided, multiple submitters, no conflicts (2 of 4 stars). 2 submissions from 2 submitters: Pathogenic (1); Likely pathogenic (1). Last evaluated 2025-10-30.

Conditions:
Cardiovascular phenotype. Identifiers: MedGen CN230736.
Hereditary cancer-predisposing syndrome. Also called: Tumor predisposition; Hereditary neoplastic syndrome; Neoplastic Syndromes, Hereditary; Hereditary Cancer Syndrome. Identifiers: Orphanet 140162, MedGen C0027672, MeSH D009386, MONDO:0015356.

gnomAD v4.1: 2 of 1,608,236 alleles (0.00012%); highest among the groups gnomAD compares: Non-Finnish European, 0.00017%; no homozygotes.

Submissions (2):

Ambry Genetics
Classification: Likely pathogenic for Cardiovascular phenotype; Hereditary cancer-predisposing syndrome. Last evaluated: 2025-10-30. Review status: criteria provided, single submitter. Criteria: Ambry Variant Classification Scheme 2023. Collection method: clinical testing. Allele origin: germline.
Comment: The c.6364+1G>T intronic variant results from a G to T substitution one nucleotide after coding exon 41 of the NF1 gene. This nucleotide position is highly conserved in available vertebrate species. This variant has been observed in at least one individual with a personal and/or family history that is consistent with Neurofibromatosis type 1 (Ambry internal data). In silico splice site analysis predicts that this alteration will weaken the native splice donor site. RNA studies have demonstrated that this alteration results in abnormal splicing in the set of samples tested (Ambry internal data). Other variant(s) impacting the same donor site (c.6364+1G>A) have been identified in individual(s) with features consistent with Neurofibromatosis type 1 (Ambry internal data). Alterations that disrupt the canonical splice site are expected to cause aberrant splicing, resulting in an abnormal protein or a transcript that is subject to nonsense-mediated mRNA decay. As such, this alteration is classified as likely pathogenic.

GeneDx
Classification: Pathogenic. Last evaluated: 2023-09-21. Review status: criteria provided, single submitter. Criteria: GeneDx Variant Classification Process June 2021. Collection method: clinical testing. Allele origin: germline. Affected: yes.
Comment: Canonical splice site variant predicted to result in a null allele in a gene for which loss of function is a known mechanism of disease; Not observed at significant frequency in large population cohorts (gnomAD); Has not been previously published as pathogenic or benign to our knowledge